The following is an entry in ClinVar:

ClinVar aggregate classification (germline): Uncertain significance. Review status: criteria provided, multiple submitters, no conflicts (2 of 4 stars). 2 submissions from 2 submitters: Uncertain significance (2). Last evaluated 2022-04-27.

Conditions:
Isolated cryptophthalmia. Also called: ANKYLOBLEPHARON, SIMPLE; Cryptophthalmos, unilateral or bilateral, isolated. Identifiers: Orphanet 91396, MedGen C1852453, MONDO:0007410, OMIM 123570.
Fraser syndrome 2 (FRASRS2). Identifiers: MedGen C4540036, MONDO:0054738, OMIM 617666.

Allele frequency attached by ClinVar (database versions not stated): ExAC 0.00001; gnomAD 0.00001 and 0.00002; gnomAD exomes 0.00001; TOPMed 0.00002.
gnomAD v4.1: 57 of 1,614,072 alleles (0.0035%); highest among the groups gnomAD compares: Non-Finnish European, 0.0044%; no homozygotes.

Submissions (2):

Fulgent Genetics
Classification: Uncertain significance for Isolated cryptophthalmia; Fraser syndrome 2. Last evaluated: 2022-04-27. Review status: criteria provided, single submitter. Criteria: ACMG Guidelines, 2015. Collection method: clinical testing. Allele origin: unknown.

Labcorp Genetics (formerly Invitae), Labcorp
Classification: Uncertain significance. Last evaluated: 2021-10-04. Review status: criteria provided, single submitter. Criteria: Invitae Variant Classification Sherloc (09022015). Collection method: clinical testing. Allele origin: germline.
Comment: This sequence change replaces threonine with methionine at codon 1480 of the FREM2 protein (p.Thr1480Met). The threonine residue is moderately conserved and there is a moderate physicochemical difference between threonine and methionine. This variant is present in population databases (rs773471950, ExAC 0.002%). This variant has not been reported in the literature in individuals affected with FREM2-related conditions. Algorithms developed to predict the effect of missense changes on protein structure and function output the following: SIFT: "Tolerated"; PolyPhen-2: "Benign"; Align-GVGD: "Class C0". The methionine amino acid residue is found in multiple mammalian species, which suggests that this missense change does not adversely affect protein function. In summary, the available evidence is currently insufficient to determine the role of this variant in disease. Therefore, it has been classified as a Variant of Uncertain Significance.

NM_207361.6(FREM2):c.4439C>T (p.Thr1480Met)

Gene: FREM2 (FRAS1 related extracellular matrix 2; plus strand). Cytogenetic location: 13q13.3.
Variant type: single nucleotide variant.
Coding change: c.4439C>T on transcript NM_207361.6 (MANE Select); coding-DNA position 4439, C replaced by T.
Protein change: p.Thr1480Met; replaces threonine 1480 with methionine.
Molecular consequence: missense variant.
Genome position (GRCh38, 1-based): chr13:38,691,783, C>T. VCF-style: chr13-38691783-C-T. GRCh37 (hg19) VCF-style: chr13-39265920-C-T.
Other names: short protein forms T1480M.
Identifiers: ClinVar variation 1486198 (VCV001486198.4), dbSNP rs773471950, ClinGen allele CA6954989.
Genomic context (GRCh38, chr13:38,691,783, plus strand): 5'-TCACCAGGGCTCCCATGCGAGGTCACCTGGAATGCACGGATCAGCCTGGTGTGTCCATCA[C>T]GTCTTTCACTCAGCTGCAACTGGCTGGAAACAAAATCTACTACATCCACACAGCTGATGA-3'
Protein context (NP_997244.4, residues 1470-1490): ECTDQPGVSI[Thr1480Met]SFTQLQLAGN